The following is an entry in ClinVar:

ClinVar aggregate classification (germline): Likely benign. Review status: criteria provided, multiple submitters, no conflicts (2 of 4 stars). 4 submissions from 4 submitters: Likely benign (3). 1 of the submissions does not count toward it. Last evaluated 2026-01-18.

Conditions:
FBN3-related disorder. Also called: FBN3-related condition.

Allele frequency attached by ClinVar (database versions not stated): 1000 Genomes Project 0.00140; 1000 Genomes Project 30x 0.00156; TOPMed 0.00312; ESP Exome Variant Server 0.00315.
gnomAD v4.1: 5,392 of 1,614,056 alleles (0.33%); highest among the groups gnomAD compares: Middle Eastern, 0.86%; 18 homozygotes.

Submissions (4):

Labcorp Genetics (formerly Invitae), Labcorp
Classification: Likely benign. Last evaluated: 2026-01-18. Review status: criteria provided, single submitter. Criteria: Invitae Variant Classification Sherloc (09022015). Collection method: clinical testing. Allele origin: germline.

CeGaT Center for Human Genetics Tuebingen
Classification: Likely benign. Last evaluated: 2024-09-01. Review status: criteria provided, single submitter. Criteria: CeGaT Center For Human Genetics Tuebingen Variant Classification Criteria Version 2. Collection method: clinical testing. Allele origin: germline. Affected: yes. Observed: 2 variant alleles.
Comment: FBN3: BP4, BS2

Breakthrough Genomics
Classification: Likely benign. Review status: criteria provided, single submitter. Criteria: ACMG Guidelines, 2015. Collection method: not provided. Allele origin: germline. Inheritance: Unknown mechanism. Affected: yes.

PreventionGenetics, part of Exact Sciences
Classification: Benign for FBN3-related condition. Last evaluated: 2019-04-01. Review status: no assertion criteria provided. Collection method: clinical testing. Allele origin: germline. Not counted in ClinVar's aggregate classification.
Comment: This variant is classified as benign based on ACMG/AMP sequence variant interpretation guidelines (Richards et al. 2015 PMID: 25741868, with internal and published modifications).

NM_032447.5(FBN3):c.7780G>A (p.Val2594Ile)

Gene: FBN3 (fibrillin 3; minus strand). Cytogenetic location: 19p13.2.
Variant type: single nucleotide variant.
Coding change: c.7780G>A on transcript NM_032447.5 (MANE Select); coding-DNA position 7780, G replaced by A.
Protein change: p.Val2594Ile; replaces valine 2594 with isoleucine.
Molecular consequence: missense variant.
Genome position (GRCh38, 1-based): chr19:8,073,220, C>T on the plus strand (G>A on the coding strand, the complement: FBN3 is on the minus strand). VCF-style: chr19-8073220-C-T. GRCh37 (hg19) VCF-style: chr19-8138104-C-T.
Other names: c.7780G>A (NM_001321431.1); c.7780G>A, p.Val2594Ile (NM_001321431.2); short protein forms V2594I.
Identifiers: ClinVar variation 775404 (VCV000775404.34), dbSNP rs35318692, ClinGen allele CA9150738.